The following is an entry in ClinVar:

NM_032043.3(BRIP1):c.3083A>T (p.Asn1028Ile)

Gene: BRIP1 (BRCA1 interacting DNA helicase 1; minus strand). Cytogenetic location: 17q23.2.
Variant type: single nucleotide variant.
Coding change: c.3083A>T on transcript NM_032043.3 (MANE Select); coding-DNA position 3083, A replaced by T.
Protein change: p.Asn1028Ile; replaces asparagine 1028 with isoleucine.
Molecular consequence: missense variant.
Genome position (GRCh38, 1-based): chr17:61,683,963, T>A on the plus strand (A>T on the coding strand, the complement: BRIP1 is on the minus strand). VCF-style: chr17-61683963-T-A. GRCh37 (hg19) VCF-style: chr17-59761324-T-A.
Other names: short protein forms N1028I.
Identifiers: ClinVar variation 822833 (VCV000822833.15), dbSNP rs1060501762, ClinGen allele CA400479818.

ClinVar aggregate classification (germline): Uncertain significance. Review status: criteria provided, multiple submitters, no conflicts (2 of 4 stars). 5 submissions from 5 submitters: Uncertain significance (5). Last evaluated 2025-09-26.

Conditions:
Hereditary cancer-predisposing syndrome. Also called: Tumor predisposition; Hereditary Cancer Syndrome; Neoplastic Syndromes, Hereditary; Hereditary neoplastic syndrome. Identifiers: Orphanet 140162, MedGen C0027672, MeSH D009386, MONDO:0015356.
Fanconi anemia complementation group J. Also called: BRIP1-Related Fanconi Anemia. Identifiers: Orphanet 84, MedGen C1836860, MONDO:0012187, OMIM 609054.
Familial cancer of breast. Also called: hereditary breast carcinoma; BREAST CANCER, FAMILIAL; Hereditary breast cancer. Identifiers: Orphanet 227535, MedGen C0346153, MONDO:0016419, OMIM 114480. Disease mechanism: loss of function.

Allele frequency attached by ClinVar (database versions not stated): gnomAD 0.00001; TOPMed 0.00001.
gnomAD v4.1: 1 of 1,614,072 alleles (0.000062%); highest among the groups gnomAD compares: African/African-American, 0.0013%; no homozygotes.

Submissions (5):

Ambry Genetics
Classification: Uncertain significance for Hereditary cancer-predisposing syndrome. Last evaluated: 2025-09-26. Review status: criteria provided, single submitter. Criteria: Ambry Variant Classification Scheme 2023. Collection method: clinical testing. Allele origin: germline.
Comment: The p.N1028I variant (also known as c.3083A>T), located in coding exon 19 of the BRIP1 gene, results from an A to T substitution at nucleotide position 3083. The asparagine at codon 1028 is replaced by isoleucine, an amino acid with dissimilar properties. This amino acid position is poorly conserved in available vertebrate species. In addition, this alteration is predicted to be tolerated by in silico analysis. Since supporting evidence is limited at this time, the clinical significance of this alteration remains unclear.

Labcorp Genetics (formerly Invitae), Labcorp
Classification: Uncertain significance for Familial cancer of breast; Fanconi anemia complementation group J. Last evaluated: 2025-08-07. Review status: criteria provided, single submitter. Criteria: Invitae Variant Classification Sherloc (09022015). Collection method: clinical testing. Allele origin: germline.
Comment: This sequence change replaces asparagine, which is neutral and polar, with isoleucine, which is neutral and non-polar, at codon 1028 of the BRIP1 protein (p.Asn1028Ile). This variant is not present in population databases (gnomAD no frequency). This variant has not been reported in the literature in individuals affected with BRIP1-related conditions. ClinVar contains an entry for this variant (Variation ID: 822833). Invitae Evidence Modeling of protein sequence and biophysical properties (such as structural, functional, and spatial information, amino acid conservation, physicochemical variation, residue mobility, and thermodynamic stability) indicates that this missense variant is not expected to disrupt BRIP1 protein function with a negative predictive value of 95%. In summary, the available evidence is currently insufficient to determine the role of this variant in disease. Therefore, it has been classified as a Variant of Uncertain Significance.

GeneDx
Classification: Uncertain significance. Last evaluated: 2025-04-29. Review status: criteria provided, single submitter. Criteria: GeneDx Variant Classification Process June 2021. Collection method: clinical testing. Allele origin: germline.
Comment: Not observed at significant frequency in large population cohorts (gnomAD); In silico analysis indicates that this missense variant does not alter protein structure/function; Has not been previously published as pathogenic or benign to our knowledge; This variant is associated with the following publications: (PMID: 11301010)

Color Diagnostics, LLC DBA Color Health
Classification: Uncertain significance for Hereditary cancer-predisposing syndrome. Last evaluated: 2025-02-10. Review status: criteria provided, single submitter. Criteria: ACMG Guidelines, 2015. Collection method: clinical testing. Allele origin: germline.
Comment: This missense variant replaces asparagine with isoleucine at codon 1028 of the BRIP1 protein. Computational prediction suggests that this variant may not impact protein structure and function (internally defined REVEL score threshold <= 0.5, PMID: 27666373). To our knowledge, functional studies have not been reported for this variant. This variant has not been reported in individuals affected with BRIP1-related disorders in the literature. This variant has not been identified in the general population by the Genome Aggregation Database (gnomAD). The available evidence is insufficient to determine the role of this variant in disease conclusively. Therefore, this variant is classified as a Variant of Uncertain Significance.

Women's Health and Genetics/Laboratory Corporation of America, LabCorp
Classification: Uncertain significance. Last evaluated: 2022-06-23. Review status: criteria provided, single submitter. Criteria: LabCorp Variant Classification Summary - May 2015. Collection method: clinical testing. Allele origin: germline.